The following is an entry in ClinVar:

NM_001377540.1(SLMAP):c.2437G>A (p.Gly813Arg)

Gene: SLMAP (sarcolemma associated protein; plus strand). Cytogenetic location: 3p14.3.
Variant type: single nucleotide variant.
Coding change: c.2437G>A on transcript NM_001377540.1 (MANE Select); coding-DNA position 2437, G replaced by A.
Protein change: p.Gly813Arg; replaces glycine 813 with arginine.
Molecular consequence: missense variant. On other transcripts: non-coding transcript variant (1).
Genome position (GRCh38, 1-based): chr3:57,923,015, G>A. VCF-style: chr3-57923015-G-A. GRCh37 (hg19) VCF-style: chr3-57908742-G-A.
Other names: c.2149G>A, p.Gly717Arg (NM_001377925.1); c.865G>A, p.Gly289Arg (NM_001377926.1, NM_001377927.1); c.2335G>A, p.Gly779Arg (NM_007159.5, NM_001377549.1); c.2386G>A, p.Gly796Arg (NM_001304420.3, NM_001377541.1, NM_001377542.1); c.2272G>A, p.Gly758Arg (NM_001304421.2, NM_001377557.1, NM_001377559.1); c.988G>A, p.Gly330Arg (NM_001304422.3, NM_001311178.2); c.790G>A, p.Gly264Arg (NM_001304423.3); c.2458G>A, p.Gly820Arg (NM_001377538.1); and 8 more; short protein forms G264R, G289R, G330R, G717R, G734R, G738R, G751R, G755R.
Identifiers: ClinVar variation 1025389 (VCV001025389.5), dbSNP rs1444785203, ClinGen allele CA353410864.

ClinVar aggregate classification (germline): Uncertain significance (1 of 4 stars; one submission).

Conditions:
Brugada syndrome. Also called: Sudden unexplained nocturnal death syndrome; Sudden Unexplained Nocturnal Death Syndrome (SUNDS); Sudden Unexplained Death Syndrome; Sudden unexpected nocturnal death syndrome. Identifiers: Orphanet 130, MedGen C1142166, MONDO:0015263.

Allele frequency attached by ClinVar (database versions not stated): gnomAD exomes below 0.00001 and 0.00001; TOPMed below 0.00001.
gnomAD v4.1: 3 of 1,613,482 alleles (0.00019%); highest among the groups gnomAD compares: South Asian, 0.0033%; no homozygotes.

Submission:

Labcorp Genetics (formerly Invitae), Labcorp
Classification: Uncertain significance for Brugada syndrome. Last evaluated: 2020-09-15. Review status: criteria provided, single submitter. Criteria: Invitae Variant Classification Sherloc (09022015). Collection method: clinical testing. Allele origin: germline.
Comment: In summary, the available evidence is currently insufficient to determine the role of this variant in disease. Therefore, it has been classified as a Variant of Uncertain Significance. Algorithms developed to predict the effect of missense changes on protein structure and function are either unavailable or do not agree on the potential impact of this missense change (SIFT: "Deleterious"; PolyPhen-2: "Possibly Damaging"; Align-GVGD: "Class C0"). This variant has not been reported in the literature in individuals with SLMAP-related conditions. This variant is not present in population databases (ExAC no frequency). This sequence change replaces glycine with arginine at codon 779 of the SLMAP protein (p.Gly779Arg). The glycine residue is moderately conserved and there is a moderate physicochemical difference between glycine and arginine.